The following is an entry in ClinVar:

NM_000330.4(RS1):c.308T>G (p.Leu103Arg)

Genes: CDKL5 (cyclin dependent kinase like 5; plus strand), RS1 (retinoschisin 1; minus strand). Cytogenetic location: Xp22.13.
Variant type: single nucleotide variant.
Coding change: c.308T>G on transcript NM_000330.4 (MANE Select); coding-DNA position 308, T replaced by G.
Protein change: p.Leu103Arg; replaces leucine 103 with arginine.
Molecular consequence: missense variant. On other transcripts: intron variant (2).
Genome position (GRCh38, 1-based): chrX:18,647,209, A>C on the plus strand (T>G on the coding strand, the complement: RS1 is on the minus strand). VCF-style: chrX-18647209-A-C. GRCh37 (hg19) VCF-style: chrX-18665329-A-C.
Other names: c.2797+1119A>C (NM_003159.3, NM_001037343.2); short protein forms L103R.
Identifiers: ClinVar variation 98931 (VCV000098931.5), dbSNP rs61752069, ClinGen allele CA226671.

ClinVar aggregate classification (germline): Conflicting classifications of pathogenicity. Review status: criteria provided, conflicting classifications (1 of 4 stars). 4 submissions from 4 submitters: Pathogenic (1); Likely pathogenic (1); Uncertain significance (1). 1 of the submissions does not count toward it. Last evaluated 2025-03-13.

Conditions:
Juvenile retinoschisis (RS1). Also called: X-Linked Juvenile Retinoschisis; X-linked retinoschisis. Identifiers: Orphanet 792, MedGen C3714753, MONDO:0010725, OMIM 312700.

Submissions (4):

Labcorp Genetics (formerly Invitae), Labcorp
Classification: Pathogenic. Last evaluated: 2025-03-13. Review status: criteria provided, single submitter. Criteria: Invitae Variant Classification Sherloc (09022015). Collection method: clinical testing. Allele origin: germline.
Comment: This sequence change replaces leucine, which is neutral and non-polar, with arginine, which is basic and polar, at codon 103 of the RS1 protein (p.Leu103Arg). This variant is not present in population databases (gnomAD no frequency). This missense change has been observed in individual(s) with X-linked retinoschisis (PMID: 9618178, 34822951). ClinVar contains an entry for this variant (Variation ID: 98931). Invitae Evidence Modeling of protein sequence and biophysical properties (such as structural, functional, and spatial information, amino acid conservation, physicochemical variation, residue mobility, and thermodynamic stability) indicates that this missense variant is expected to disrupt RS1 protein function with a positive predictive value of 95%. For these reasons, this variant has been classified as Pathogenic.

North West Genomic Laboratory Hub, Manchester University NHS Foundation Trust
Classification: Likely pathogenic for Juvenile retinoschisis. Last evaluated: 2024-10-10. Review status: criteria provided, single submitter. Criteria: ACGS Best Practice Guidelines for Variant Classification in Rare Disease 2024. Collection method: clinical testing. Allele origin: germline. Affected: yes.
Comment: PM2_Mod PP3_Supp PS4_Mod PM1_Supp

GeneDx
Classification: Uncertain significance. Last evaluated: 2020-02-11. Review status: criteria provided, single submitter. Criteria: GeneDx Variant Classification Process June 2021. Collection method: clinical testing. Allele origin: germline. Affected: yes.
Comment: Not observed in large population cohorts (Lek et al., 2016); In silico analysis supports that this missense variant has a deleterious effect on protein structure/function; This variant is associated with the following publications: (PMID: 9618178)

Retina International
No classification provided. Review status: no classification provided. Collection method: not provided. Allele origin: unknown. Not counted in ClinVar's aggregate classification.

Literature cited by the submitters: PubMed 9618178 (cited by Labcorp Genetics (formerly Invitae), Labcorp); PubMed 34822951 (cited by Labcorp Genetics (formerly Invitae), Labcorp).